The following is an entry in ClinVar:

NM_014249.4(NR2E3):c.263G>T (p.Gly88Val)

Gene: NR2E3 (nuclear receptor subfamily 2 group E member 3; plus strand). Cytogenetic location: 15q23.
Variant type: single nucleotide variant.
Coding change: c.263G>T on transcript NM_014249.4 (MANE Select); coding-DNA position 263, G replaced by T.
Protein change: p.Gly88Val; replaces glycine 88 with valine.
Molecular consequence: missense variant.
Genome position (GRCh38, 1-based): chr15:71,811,783, G>T. VCF-style: chr15-71811783-G-T. GRCh37 (hg19) VCF-style: chr15-72104123-G-T.
Other names: c.263G>T (NM_014249.2, NM_014249.3); c.263G>T, p.Gly88Val (NM_016346.4); short protein forms G88V.
Identifiers: ClinVar variation 987298 (VCV000987298.7), dbSNP rs1278137915, ClinGen allele CA393032364.

ClinVar aggregate classification (germline): Conflicting classifications of pathogenicity. Review status: criteria provided, conflicting classifications (1 of 4 stars). 5 submissions from 5 submitters: Pathogenic (1); Likely pathogenic (3); Uncertain significance (1). Last evaluated 2025-10-13.

Conditions:
Enhanced S-cone syndrome (ESCS). Identifiers: Orphanet 53540, MedGen C1849394, MONDO:0100288, MONDO:0009989.
NR2E3-related disorder. Also called: NR2E3-related condition; NR2E3-related disorders. Identifiers: MedGen CN239387.
Retinitis pigmentosa 37 (RP37). Identifiers: Orphanet 791, MedGen C1970163, MONDO:0012625, OMIM 611131.

Allele frequency attached by ClinVar (database versions not stated): gnomAD exomes 0.00001.

Submissions (5):

Natera, Inc.
Classification: Likely pathogenic for Enhanced S cone syndrome. Last evaluated: 2025-10-13. Review status: criteria provided, single submitter. Criteria: Natera Variant Classification Schema (03/2026). Collection method: clinical testing. Allele origin: germline.
Comment: The c.263G>T variant in NR2E3 is a missense variant predicted to cause substitution of glycine to valine at amino acid 88. This variant is rare in the general population with a frequency below the threshold expected for the associated phenotype(s). This variant has been observed in one or more individuals affected with the associated recessive disease, as either homozygous or compound heterozygous with a second variant (PMID: 37734845). Functional studies show that this variant may disrupt protein function (PMID: 19898638). Computational prediction algorithms indicate this variant is likely to affect gene or protein function. Given the available evidence, this variant is classified as Likely Pathogenic.

Labcorp Genetics (formerly Invitae), Labcorp
Classification: Uncertain significance. Last evaluated: 2024-06-13. Review status: criteria provided, single submitter. Criteria: Invitae Variant Classification Sherloc (09022015). Collection method: clinical testing. Allele origin: germline.
Comment: This sequence change replaces glycine, which is neutral and non-polar, with valine, which is neutral and non-polar, at codon 88 of the NR2E3 protein (p.Gly88Val). This variant is not present in population databases (gnomAD no frequency). This missense change has been observed in individual(s) with enhanced S Cone Syndrome (PMID: 15459973). ClinVar contains an entry for this variant (Variation ID: 987298). Advanced modeling of protein sequence and biophysical properties (such as structural, functional, and spatial information, amino acid conservation, physicochemical variation, residue mobility, and thermodynamic stability) performed at Invitae indicates that this missense variant is expected to disrupt NR2E3 protein function with a positive predictive value of 80%. Experimental studies have shown that this missense change affects NR2E3 function (PMID: 19823680, 19898638). In summary, the available evidence is currently insufficient to determine the role of this variant in disease. Therefore, it has been classified as a Variant of Uncertain Significance.

Fulgent Genetics
Classification: Likely pathogenic for ENHANCED S-CONE SYNDROME 1; Retinitis pigmentosa 37. Last evaluated: 2024-05-06. Review status: criteria provided, single submitter. Criteria: ACMG Guidelines, 2015. Collection method: clinical testing. Allele origin: germline.

Blueprint Genetics
Classification: Likely pathogenic for NR2E3-related disorders. Last evaluated: 2023-10-17. Review status: criteria provided, single submitter. Criteria: ACMG Guidelines, 2015. Collection method: clinical testing. Allele origin: germline. Affected: yes. Observed: 4 variant alleles.

Institute of Medical Genetics and Applied Genomics, University Hospital Tübingen
Classification: Pathogenic. Last evaluated: 2020-10-23. Review status: criteria provided, single submitter. Criteria: ACMG Guidelines, 2015. Collection method: clinical testing. Allele origin: germline. Inheritance: Autosomal unknown. Affected: yes.

Literature cited by the submitters: PubMed 37734845 (cited by Natera, Inc.); PubMed 19898638 (cited by Natera, Inc. and Labcorp Genetics (formerly Invitae), Labcorp); PubMed 15459973 (cited by Labcorp Genetics (formerly Invitae), Labcorp); PubMed 19823680 (cited by Labcorp Genetics (formerly Invitae), Labcorp).